The following is an entry in ClinVar:

NM_173728.4(ARHGEF15):c.1737C>A (p.Ser579Arg)

Gene: ARHGEF15 (Rho guanine nucleotide exchange factor 15; plus strand). Cytogenetic location: 17p13.1.
Variant type: single nucleotide variant.
Coding change: c.1737C>A on transcript NM_173728.4 (MANE Select); coding-DNA position 1737, C replaced by A.
Protein change: p.Ser579Arg; replaces serine 579 with arginine.
Molecular consequence: missense variant.
Genome position (GRCh38, 1-based): chr17:8,318,419, C>A. VCF-style: chr17-8318419-C-A. GRCh37 (hg19) VCF-style: chr17-8221737-C-A.
Other names: c.1737C>A, p.Ser579Arg (NM_025014.2); short protein forms S579R.
Identifiers: ClinVar variation 1397040 (VCV001397040.7), dbSNP rs766659619, ClinGen allele CA398022712.
Genomic context (GRCh38, chr17:8,318,419, plus strand): 5'-CCCAGTCACCCTTCCTCCTTGTCCCCAGAATATCCTGCGCCAGACAGAAGAGGGGTCCAG[C>A]CGTCAGGAGAATGCCCAGAAGGCCCTGGGTGCTGTCAGCAAGGTGGGCAGTGGGGAAGCT-3'
Protein context (NP_776089.2, residues 569-589): NILRQTEEGS[Ser579Arg]RQENAQKALG

ClinVar aggregate classification (germline): Uncertain significance (1 of 4 stars; one submission).

Conditions:
Early-infantile DEE. Also called: Early infantile epileptic encephalopathy with suppression bursts; Early infantile epileptic encephalopathy; Ohtahara syndrome. Identifiers: Orphanet 1934, MedGen C0393706, MONDO:0800491.

Allele frequency attached by ClinVar (database versions not stated): gnomAD exomes below 0.00001.
gnomAD v4.1: 5 of 1,614,066 alleles (0.00031%); highest among the groups gnomAD compares: Non-Finnish European, 0.00042%; no homozygotes.

Submission:

Labcorp Genetics (formerly Invitae), Labcorp
Classification: Uncertain significance for Early-infantile DEE. Last evaluated: 2022-07-05. Review status: criteria provided, single submitter. Criteria: Invitae Variant Classification Sherloc (09022015). Collection method: clinical testing. Allele origin: germline.
Comment: In summary, the available evidence is currently insufficient to determine the role of this variant in disease. Therefore, it has been classified as a Variant of Uncertain Significance. Algorithms developed to predict the effect of missense changes on protein structure and function (SIFT, PolyPhen-2, Align-GVGD) all suggest that this variant is likely to be tolerated. ClinVar contains an entry for this variant (Variation ID: 1397040). This variant has not been reported in the literature in individuals affected with ARHGEF15-related conditions. This variant is present in population databases (no rsID available, gnomAD 0.0009%). This sequence change replaces serine, which is neutral and polar, with arginine, which is basic and polar, at codon 579 of the ARHGEF15 protein (p.Ser579Arg).